The following is an entry in ClinVar:

NM_001105206.3(LAMA4):c.1444A>G (p.Asn482Asp)

Gene: LAMA4 (laminin subunit alpha 4; minus strand). Cytogenetic location: 6q21.
Variant type: single nucleotide variant.
Coding change: c.1444A>G on transcript NM_001105206.3 (MANE Select); coding-DNA position 1444, A replaced by G.
Protein change: p.Asn482Asp; replaces asparagine 482 with aspartic acid.
Molecular consequence: missense variant.
Genome position (GRCh38, 1-based): chr6:112,172,718, T>C on the plus strand (A>G on the coding strand, the complement: LAMA4 is on the minus strand). VCF-style: chr6-112172718-T-C. GRCh37 (hg19) VCF-style: chr6-112493920-T-C.
Other names: c.1423A>G, p.Asn475Asp (NM_001105207.3, NM_002290.5); short protein forms N475D, N482D.
Identifiers: ClinVar variation 929968 (VCV000929968.13), dbSNP rs782319667, ClinGen allele CA3965769.

ClinVar aggregate classification (germline): Conflicting classifications of pathogenicity. Review status: criteria provided, conflicting classifications (1 of 4 stars). 4 submissions from 4 submitters: Uncertain significance (3); Likely benign (1). Last evaluated 2022-10-21.

Conditions:
Dilated cardiomyopathy 1JJ (CMD1JJ). Identifiers: Orphanet 154, MedGen C3808935, MONDO:0014095, OMIM 615235.
Cardiovascular phenotype. Identifiers: MedGen CN230736.

Allele frequency attached by ClinVar (database versions not stated): ExAC 0.00001; TOPMed 0.00002; gnomAD 0.00003 and 0.00002; gnomAD exomes 0.00001.
gnomAD v4.1: 33 of 1,613,818 alleles (0.002%); highest among the groups gnomAD compares: Middle Eastern, 0.05%; no homozygotes.

Submissions (4):

Ambry Genetics
Classification: Uncertain significance for Cardiovascular phenotype. Last evaluated: 2022-10-21. Review status: criteria provided, single submitter. Criteria: Ambry Variant Classification Scheme 2023. Collection method: clinical testing. Allele origin: germline.
Comment: The p.N475D variant (also known as c.1423A>G), located in coding exon 11 of the LAMA4 gene, results from an A to G substitution at nucleotide position 1423. The asparagine at codon 475 is replaced by aspartic acid, an amino acid with highly similar properties. This amino acid position is not well conserved in available vertebrate species. In addition, this alteration is predicted to be tolerated by in silico analysis. The evidence for this gene-disease relationship is limited; therefore, the clinical significance of this alteration is unclear.

Labcorp Genetics (formerly Invitae), Labcorp
Classification: Uncertain significance for Dilated cardiomyopathy 1JJ. Last evaluated: 2022-06-27. Review status: criteria provided, single submitter. Criteria: Invitae Variant Classification Sherloc (09022015). Collection method: clinical testing. Allele origin: germline.
Comment: In summary, the available evidence is currently insufficient to determine the role of this variant in disease. Therefore, it has been classified as a Variant of Uncertain Significance. Algorithms developed to predict the effect of missense changes on protein structure and function output the following: SIFT: "Deleterious"; PolyPhen-2: "Benign"; Align-GVGD: "Class C0". The aspartic acid amino acid residue is found in multiple mammalian species, which suggests that this missense change does not adversely affect protein function. ClinVar contains an entry for this variant (Variation ID: 929968). This variant has not been reported in the literature in individuals affected with LAMA4-related conditions. This variant is present in population databases (rs782319667, gnomAD 0.002%). This sequence change replaces asparagine, which is neutral and polar, with aspartic acid, which is acidic and polar, at codon 475 of the LAMA4 protein (p.Asn475Asp).

Laboratory for Molecular Medicine, Mass General Brigham Personalized Medicine
Classification: Likely benign. Last evaluated: 2019-09-27. Review status: criteria provided, single submitter. Criteria: LMM Criteria. Collection method: clinical testing. Allele origin: germline. Observed: 1 variant allele.
Comment: The p.Asp475Asn variant in LAMA4 is classified as likely benign due to a lack of conservation across species. Greater than 5 mammals carry an aspartic acid (Asn) at this position despite high nearby amino acid conservation. ACMG/AMP Criteria applied: BP4_Strong.

GeneDx
Classification: Uncertain significance. Last evaluated: 2019-03-22. Review status: criteria provided, single submitter. Criteria: GeneDx Variant Classification Process June 2021. Collection method: clinical testing. Allele origin: germline. Affected: yes.
Comment: Has not been previously published as pathogenic or benign to our knowledge; Not observed at a significant frequency in large population cohorts (Lek et al., 2016); In silico analysis, which includes protein predictors and evolutionary conservation, supports that this variant does not alter protein structure/function